The following is an entry in ClinVar:

NM_213653.4(HJV):c.898del (p.Lys299_Val300insTer)

Gene: HJV (hemojuvelin BMP co-receptor; minus strand). Cytogenetic location: 1q21.1.
Variant type: Deletion.
Coding change: c.898del on transcript NM_213653.4 (MANE Select); coding-DNA position 898, one base deleted (G; older notation c.898delG).
Protein change: p.Lys299_Val300insTer.
Molecular consequence: nonsense.
Genome position (GRCh38, 1-based): chr1:146,018,460, C deleted on the plus strand (G on the coding strand, the reverse complement: HJV is on the minus strand); the first of 2 consecutive C bases (chr1:146,018,460-146,018,461); deleting either gives the same sequence. VCF-style (leftmost placement, unchanged base first): chr1-146018459-AC-A. GRCh37 (hg19) VCF-style: chr1-145416551-AG-A.
Other names: c.220del, p.Lys73_Val74insTer (NM_001316767.2, NM_202004.4, NM_213652.4); c.898del, p.Lys299_Val300insTer (NM_001379352.1); c.559del, p.Lys186_Val187insTer (NM_145277.5); c.898del (NM_213653.3).
Identifiers: ClinVar variation 1428335 (VCV001428335.7), dbSNP rs1652478579, ClinGen allele CA1198820972.

ClinVar aggregate classification (germline): Pathogenic/Likely pathogenic. Review status: criteria provided, multiple submitters, no conflicts (2 of 4 stars). 2 submissions from 2 submitters: Pathogenic (1); Likely pathogenic (1). Last evaluated 2024-07-22.

Conditions:
Hemochromatosis type 2A (HFE2A). Also called: Adult-Onset Hemochromatosis; HJV (HFE2)-Related Juvenile Hemochromatosis. Identifiers: Orphanet 79230, MedGen C1865614, MONDO:0011216, OMIM 602390.

Submissions (2):

Natera, Inc.
Classification: Likely pathogenic for Hemochromatosis type 2A. Last evaluated: 2024-07-22. Review status: criteria provided, single submitter. Criteria: Natera Variant Classification Schema (03/2026). Collection method: clinical testing. Allele origin: germline.
Comment: The c.898del variant in HJV is a frameshift variant predicted to shift the reading frame and introduce a stop codon. This variant is expected to result in nonsense mediated decay, truncation, or a dysfunctional protein product. This variant is rare in the general population with a frequency below the threshold expected for the associated phenotype(s). Given the available evidence, this variant is classified as Likely Pathogenic.

Labcorp Genetics (formerly Invitae), Labcorp
Classification: Pathogenic. Last evaluated: 2023-10-13. Review status: criteria provided, single submitter. Criteria: Invitae Variant Classification Sherloc (09022015). Collection method: clinical testing. Allele origin: germline.
Comment: This sequence change creates a premature translational stop signal (p.Val300*) in the HJV gene. While this is not anticipated to result in nonsense mediated decay, it is expected to disrupt the last 127 amino acid(s) of the HJV protein. This variant is not present in population databases (gnomAD no frequency). This premature translational stop signal has been observed in individual(s) with clinical features of hereditary hemochromatosis (Invitae). In at least one individual the data is consistent with being in trans (on the opposite chromosome) from a pathogenic variant. ClinVar contains an entry for this variant (Variation ID: 1428335). This variant disrupts a region of the HJV protein in which other variant(s) (p.Arg385*) have been determined to be pathogenic (PMID: 14982873, 30389309). This suggests that this is a clinically significant region of the protein, and that variants that disrupt it are likely to be disease-causing. For these reasons, this variant has been classified as Pathogenic.

Literature cited by the submitters: PubMed 14982873 (cited by Labcorp Genetics (formerly Invitae), Labcorp); PubMed 30389309 (cited by Labcorp Genetics (formerly Invitae), Labcorp).